The following is an entry in ClinVar:

ClinVar aggregate classification (germline): Uncertain significance (1 of 4 stars; one submission).

Submission:

Dasa
Classification: Uncertain significance. Last evaluated: 2025-07-30. Review status: criteria provided, single submitter. Criteria: DASA Assertion Criteria. Collection method: clinical testing. Allele origin: germline.
Comment: NM_015100.4(POGZ):c.3361A>G (p.Met1121Val) is a missense variant that results in the substitution of methionine with valine. This variant is rare in population databases. Computational prediction algorithms are consistent with a benign effect. The currently available literature and clinical evidence are not sufficient to establish a definitive association between this variant and the reported condition. Therefore, this variant is classified as a variant of uncertain significance.

NM_015100.4(POGZ):c.3361A>G (p.Met1121Val)

Gene: POGZ (pogo transposable element derived with ZNF domain; minus strand). Cytogenetic location: 1q21.3.
Variant type: single nucleotide variant.
Coding change: c.3361A>G on transcript NM_015100.4 (MANE Select); coding-DNA position 3361, A replaced by G.
Protein change: p.Met1121Val; replaces methionine 1121 with valine.
Molecular consequence: missense variant.
Genome position (GRCh38, 1-based): chr1:151,405,674, T>C on the plus strand (A>G on the coding strand, the complement: POGZ is on the minus strand). VCF-style: chr1-151405674-T-C. GRCh37 (hg19) VCF-style: chr1-151378150-T-C.
Other names: c.3334A>G, p.Met1112Val (NM_001194937.2); c.3175A>G, p.Met1059Val (NM_001194938.2); c.3382A>G, p.Met1128Val (NM_001410860.1); c.3076A>G, p.Met1026Val (NM_145796.4); c.3202A>G, p.Met1068Val (NM_207171.2); short protein forms M1026V, M1059V, M1068V, M1112V, M1121V, M1128V.
Identifiers: ClinVar variation 5020904 (VCV005020904.1).